The following is an entry in ClinVar:

NM_001631.5(ALPI):c.1122C>T (p.Thr374=)

Gene: ALPI (alkaline phosphatase, intestinal; plus strand). Cytogenetic location: 2q37.1.
Variant type: single nucleotide variant.
Coding change: c.1122C>T on transcript NM_001631.5 (MANE Select); coding-DNA position 1122, C replaced by T.
Protein change: p.Thr374=; no amino-acid change (threonine 374 retained).
Molecular consequence: synonymous variant.
Genome position (GRCh38, 1-based): chr2:232,458,347, C>T. VCF-style: chr2-232458347-C-T. GRCh37 (hg19) VCF-style: chr2-233323057-C-T.
Identifiers: ClinVar variation 3039594 (VCV003039594.3), dbSNP rs148298725, ClinGen allele CA2166664.

ClinVar aggregate classification (germline): Likely benign. Review status: criteria provided, single submitter (1 of 4 stars). 2 submissions from 2 submitters: Likely benign (1). 1 of the submissions does not count toward it. Last evaluated 2024-09-23.

Conditions:
ALPI-related disorder. Also called: ALPI-related condition.

Allele frequency attached by ClinVar (database versions not stated): ExAC 0.00022; gnomAD 0.00029; ESP Exome Variant Server 0.00038.

Submissions (2):

Blueprint Genetics
Classification: Likely benign. Last evaluated: 2024-09-23. Review status: criteria provided, single submitter. Criteria: ACMG Guidelines, 2015. Collection method: clinical testing. Allele origin: germline.

PreventionGenetics, part of Exact Sciences
Classification: Likely benign for ALPI-related condition. Last evaluated: 2023-07-21. Review status: no assertion criteria provided. Collection method: clinical testing. Allele origin: germline. Not counted in ClinVar's aggregate classification.
Comment: This variant is classified as likely benign based on ACMG/AMP sequence variant interpretation guidelines (Richards et al. 2015 PMID: 25741868, with internal and published modifications).